The following is an entry in ClinVar:

NM_014795.3:c.1600_1601insAlu

Gene: ZEB2 (zinc finger E-box binding homeobox 2; minus strand). Cytogenetic location: 2q22.3.
Variant type: Insertion.
Identifiers: ClinVar variation 801011 (VCV000801011.1).

ClinVar aggregate classification (germline): Pathogenic (1 of 4 stars; one submission).

Submission:

GeneDx
Classification: Pathogenic. Last evaluated: 2018-11-15. Review status: criteria provided, single submitter. Criteria: GeneDx Variant Classification (06012015). Collection method: clinical testing. Allele origin: germline. Affected: yes.
Comment: The c.1600_1601insAlu variant in the ZEB2 gene has not been published as a pathogenic variant, nor has it been reported as a benign variant to our knowledge. This variant is the result of an Alu mobile insertion element interrupting coding sequence in exon 8 and is predicted to cause loss of normal protein function. Mobile insertion elements, including retrotransposon-mediated events such as Alu inserts, are estimated to account for 1 in 600 disease causing variants (Kazazian et al., 1999). Therefore, this variant is considered a pathogenic variant.